The following is an entry in ClinVar:

NM_000275.3(OCA2):c.2177_2180dup (p.Val728fs)

Gene: OCA2 (OCA2 melanosomal transmembrane protein; minus strand). Cytogenetic location: 15q13.1.
Variant type: Duplication.
Coding change: c.2177_2180dup on transcript NM_000275.3 (MANE Select); coding-DNA positions 2177 to 2180, 4 bases duplicated (TCCT; older notation c.2177_2180dupTCCT).
Protein change: p.Val728fs; shifts the reading frame from valine 728.
Molecular consequence: frameshift variant.
Genome position (GRCh38, 1-based): chr15:27,871,218-27,871,221, AGGA duplicated on the plus strand (TCCT on the coding strand, the reverse complement: OCA2 is on the minus strand). VCF-style (leftmost placement, unchanged base first): chr15-27871217-C-CAGGA. GRCh37 (hg19) VCF-style: chr15-28116363-C-CAGGA.
Other names: c.2105_2108dup, p.Val704fs (NM_001300984.2); short protein forms V704fs, V728fs.
Identifiers: ClinVar variation 3652226 (VCV003652226.2).

ClinVar aggregate classification (germline): Pathogenic (1 of 4 stars; one submission).

Submission:

Labcorp Genetics (formerly Invitae), Labcorp
Classification: Pathogenic. Last evaluated: 2024-05-05. Review status: criteria provided, single submitter. Criteria: Invitae Variant Classification Sherloc (09022015). Collection method: clinical testing. Allele origin: germline.
Comment: This sequence change creates a premature translational stop signal (p.Val728Profs*14) in the OCA2 gene. It is expected to result in an absent or disrupted protein product. Loss-of-function variants in OCA2 are known to be pathogenic (PMID: 19865097, 21541274). This variant is not present in population databases (gnomAD no frequency). This variant has not been reported in the literature in individuals affected with OCA2-related conditions. For these reasons, this variant has been classified as Pathogenic.

Literature cited by the submitters: PubMed 19865097; PubMed 21541274.